The following is an entry in ClinVar:

ClinVar aggregate classification (germline): Likely benign. Review status: criteria provided, multiple submitters, no conflicts (2 of 4 stars). 7 submissions from 7 submitters: Likely benign (7). Last evaluated 2025-11-16.

Conditions:
Familial thoracic aortic aneurysm and aortic dissection (TAAD). Also called: Thoracic aortic aneurysms and dissections. Identifiers: Orphanet 91387, MedGen C4707243, MONDO:0019625.
Aortic aneurysm, familial thoracic 4 (AAT4). Also called: AORTIC ANEURYSM/AORTIC DISSECTION AND PATENT DUCTUS ARTERIOSUS. Identifiers: MedGen C1851504, MONDO:0007568, OMIM 132900.

Allele frequency attached by ClinVar (database versions not stated): gnomAD exomes below 0.00001 and 0.00001; ExAC 0.00001; gnomAD 0.00001; TOPMed 0.00001; 1000 Genomes Project 30x 0.00016; 1000 Genomes Project 0.00020.
gnomAD v4.1: 15 of 1,614,264 alleles (0.00093%); highest among the groups gnomAD compares: Non-Finnish European, 0.0013%; no homozygotes.

Submissions (7):

Labcorp Genetics (formerly Invitae), Labcorp
Classification: Likely benign for Aortic aneurysm, familial thoracic 4. Last evaluated: 2025-11-16. Review status: criteria provided, single submitter. Criteria: Invitae Variant Classification Sherloc (09022015). Collection method: clinical testing. Allele origin: germline.

CeGaT Center for Human Genetics Tuebingen
Classification: Likely benign. Last evaluated: 2025-01-01. Review status: criteria provided, single submitter. Criteria: CeGaT Center For Human Genetics Tuebingen Variant Classification Criteria Version 2. Collection method: clinical testing. Allele origin: germline. Affected: yes. Observed: 6 variant alleles.
Comment: MYH11: BP4, BP7

Blueprint Genetics
Classification: Likely benign. Last evaluated: 2024-11-22. Review status: criteria provided, single submitter. Criteria: ACMG Guidelines, 2015. Collection method: clinical testing. Allele origin: germline.

All of Us Research Program, National Institutes of Health
Classification: Likely benign for Familial thoracic aortic aneurysm and aortic dissection. Last evaluated: 2023-11-20. Review status: criteria provided, single submitter. Criteria: ACMG Guidelines, 2015. Collection method: clinical testing. Allele origin: germline. Inheritance: Autosomal dominant inheritance. Observed: 1 variant allele, 1 heterozygote.
Comment: This study involves interpretation of variants in research participants for the purpose of population health screening. Participant phenotype was not available at the time of variant classification. Additional details can be found in publication PMID: 35346344, PMCID: PMC8962531

Women's Health and Genetics/Laboratory Corporation of America, LabCorp
Classification: Likely benign. Last evaluated: 2020-03-15. Review status: criteria provided, single submitter. Criteria: LabCorp Variant Classification Summary - May 2015. Collection method: clinical testing. Allele origin: germline.

Ambry Genetics
Classification: Likely benign for Familial thoracic aortic aneurysm and aortic dissection. Last evaluated: 2019-08-30. Review status: criteria provided, single submitter. Criteria: Ambry Variant Classification Scheme 2023. Collection method: clinical testing. Allele origin: germline.

Color Diagnostics, LLC DBA Color Health
Classification: Likely benign for Familial thoracic aortic aneurysm and aortic dissection. Last evaluated: 2019-03-19. Review status: criteria provided, single submitter. Criteria: ACMG Guidelines, 2015. Collection method: clinical testing. Allele origin: germline.

NM_002474.3(MYH11):c.3594G>A (p.Arg1198=)

Gene: MYH11 (myosin heavy chain 11; minus strand). Cytogenetic location: 16p13.11.
Variant type: single nucleotide variant.
Coding change: c.3594G>A on transcript NM_002474.3 (MANE Select); coding-DNA position 3594, G replaced by A.
Protein change: p.Arg1198=; no amino-acid change (arginine 1198 retained).
Molecular consequence: synonymous variant.
Genome position (GRCh38, 1-based): chr16:15,732,621, C>T on the plus strand (G>A on the coding strand, the complement: MYH11 is on the minus strand). VCF-style: chr16-15732621-C-T. GRCh37 (hg19) VCF-style: chr16-15826478-C-T.
Other names: c.3615G>A, p.Arg1205= (NM_001040113.2, NM_001040114.2); c.3594G>A, p.Arg1198= (NM_022844.3).
Identifiers: ClinVar variation 465726 (VCV000465726.54), dbSNP rs138908402, ClinGen allele CA7921954.